The following is an entry in ClinVar:

ClinVar aggregate classification (germline): Likely pathogenic (1 of 4 stars; one submission).

Conditions:
CYP24A1-related disorder. Also called: CYP24A1-related condition.

Submission:

PreventionGenetics, part of Exact Sciences
Classification: Likely pathogenic for CYP24A1-related condition. Last evaluated: 2026-08-07. Review status: criteria provided, single submitter. Criteria: ACMG Guidelines, 2015. Collection method: clinical testing. Allele origin: germline.
Comment: The CYP24A1 c.99C>G variant is predicted to result in premature protein termination (p.Tyr33*). To our knowledge, this variant has not been reported in the literature or in a large population database (gnomAD), indicating this variant is rare. Nonsense variants in CYP24A1 are expected to be pathogenic. This variant is interpreted as likely pathogenic.

NM_000782.5(CYP24A1):c.99C>G (p.Tyr33Ter)

Gene: CYP24A1 (cytochrome P450 family 24 subfamily A member 1; minus strand). Cytogenetic location: 20q13.2.
Variant type: single nucleotide variant.
Coding change: c.99C>G on transcript NM_000782.5 (MANE Select); coding-DNA position 99, C replaced by G.
Protein change: p.Tyr33Ter; replaces tyrosine 33 with a stop codon.
Molecular consequence: nonsense.
Genome position (GRCh38, 1-based): chr20:54,173,481, G>C on the plus strand (C>G on the coding strand, the complement: CYP24A1 is on the minus strand). VCF-style: chr20-54173481-G-C. GRCh37 (hg19) VCF-style: chr20-52790020-G-C.
Other names: c.99C>G, p.Tyr33Ter (NM_001128915.2, NM_001424340.1, NM_001424341.1 and 2 more transcripts); short protein forms Y33*.
Identifiers: ClinVar variation 4999821 (VCV004999821.1).